The following is an entry in ClinVar:

NM_015072.5(TTLL5):c.3773T>C (p.Leu1258Pro)

Gene: TTLL5 (tubulin tyrosine ligase like 5; plus strand). Cytogenetic location: 14q24.3.
Variant type: single nucleotide variant.
Coding change: c.3773T>C on transcript NM_015072.5 (MANE Select); coding-DNA position 3773, T replaced by C.
Protein change: p.Leu1258Pro; replaces leucine 1258 with proline.
Molecular consequence: missense variant.
Genome position (GRCh38, 1-based): chr14:75,902,174, T>C. VCF-style: chr14-75902174-T-C. GRCh37 (hg19) VCF-style: chr14-76368517-T-C.
Other names: short protein forms L1258P.
Identifiers: ClinVar variation 861353 (VCV000861353.9), dbSNP rs1249204313, ClinGen allele CA390538640.

ClinVar aggregate classification (germline): Uncertain significance (1 of 4 stars; one submission).

Allele frequency attached by ClinVar (database versions not stated): gnomAD exomes below 0.00001; TOPMed 0.00001.

Submission:

Labcorp Genetics (formerly Invitae), Labcorp
Classification: Uncertain significance. Last evaluated: 2020-03-26. Review status: criteria provided, single submitter. Criteria: Invitae Variant Classification Sherloc (09022015). Collection method: clinical testing. Allele origin: germline.
Comment: Algorithms developed to predict the effect of missense changes on protein structure and function are either unavailable or do not agree on the potential impact of this missense change (SIFT: "Deleterious"; PolyPhen-2: "Benign"; Align-GVGD: "Class C0"). In summary, the available evidence is currently insufficient to determine the role of this variant in disease. Therefore, it has been classified as a Variant of Uncertain Significance. This variant has not been reported in the literature in individuals with TTLL5-related conditions. This sequence change replaces leucine with proline at codon 1258 of the TTLL5 protein (p.Leu1258Pro). The leucine residue is weakly conserved and there is a moderate physicochemical difference between leucine and proline. This variant is not present in population databases (ExAC no frequency).